The following is an entry in ClinVar:

NM_004336.5(BUB1):c.1046T>A (p.Val349Glu)

Gene: BUB1 (BUB1 mitotic checkpoint serine/threonine kinase; minus strand). Cytogenetic location: 2q13.
Variant type: single nucleotide variant.
Coding change: c.1046T>A on transcript NM_004336.5 (MANE Select); coding-DNA position 1046, T replaced by A.
Protein change: p.Val349Glu; replaces valine 349 with glutamic acid.
Molecular consequence: missense variant.
Genome position (GRCh38, 1-based): chr2:110,661,753, A>T on the plus strand (T>A on the coding strand, the complement: BUB1 is on the minus strand). VCF-style: chr2-110661753-A-T. GRCh37 (hg19) VCF-style: chr2-111419330-A-T.
Other names: c.986T>A, p.Val329Glu (NM_001278616.2); c.1046T>A, p.Val349Glu (NM_001278617.2); short protein forms V329E, V349E.
Identifiers: ClinVar variation 3223982 (VCV003223982.1), dbSNP rs756025274, ClinGen allele CA1828172.

ClinVar aggregate classification (germline): Uncertain significance (1 of 4 stars; one submission).

Allele frequency attached by ClinVar (database versions not stated): gnomAD exomes below 0.00001; TOPMed below 0.00001; ExAC 0.00001; gnomAD 0.00001.
gnomAD v4.1: 6 of 1,614,096 alleles (0.00037%); highest among the groups gnomAD compares: Non-Finnish European, 0.00051%; no homozygotes.

Submission:

Ambry Genetics
Classification: Uncertain significance. Last evaluated: 2023-12-19. Review status: criteria provided, single submitter. Criteria: Ambry Variant Classification Scheme 2023. Collection method: clinical testing. Allele origin: germline.
Comment: The p.V349E variant (also known as c.1046T>A), located in coding exon 10 of the BUB1 gene, results from a T to A substitution at nucleotide position 1046. The valine at codon 349 is replaced by glutamic acid, an amino acid with dissimilar properties. This amino acid position is conserved. In addition, this alteration is predicted to be tolerated by in silico analysis. Since supporting evidence is limited at this time, the clinical significance of this alteration remains unclear.